The following is an entry in ClinVar:

NM_000944.5(PPP3CA):c.1244A>G (p.Glu415Gly)

Gene: PPP3CA (protein phosphatase 3 catalytic subunit alpha; minus strand). Cytogenetic location: 4q24.
Variant type: single nucleotide variant.
Coding change: c.1244A>G on transcript NM_000944.5 (MANE Select); coding-DNA position 1244, A replaced by G.
Protein change: p.Glu415Gly; replaces glutamic acid 415 with glycine.
Molecular consequence: missense variant.
Genome position (GRCh38, 1-based): chr4:101,032,362, T>C on the plus strand (A>G on the coding strand, the complement: PPP3CA is on the minus strand). VCF-style: chr4-101032362-T-C. GRCh37 (hg19) VCF-style: chr4-101953519-T-C.
Other names: c.1244A>G, p.Glu415Gly (NM_001130691.2); c.1118A>G, p.Glu373Gly (NM_001130692.2); short protein forms E373G, E415G.
Identifiers: ClinVar variation 3776727 (VCV003776727.1).

ClinVar aggregate classification (germline): Uncertain significance (1 of 4 stars; one submission).

Submission:

GeneDx
Classification: Uncertain significance. Last evaluated: 2024-10-07. Review status: criteria provided, single submitter. Criteria: GeneDx Variant Classification Process June 2021. Collection method: clinical testing. Allele origin: germline. Affected: yes.
Comment: Not observed at significant frequency in large population cohorts (gnomAD); In silico analysis supports that this missense variant has a deleterious effect on protein structure/function; Has not been previously published as pathogenic or benign to our knowledge